The following is an entry in ClinVar:

ClinVar aggregate classification (germline): Pathogenic (1 of 4 stars; one submission).

Conditions:
Smith-Lemli-Opitz syndrome (SLOS). Also called: LETHAL ACRODYSGENITAL SYNDROME; POLYDACTYLY, SEX REVERSAL, RENAL HYPOPLASIA, AND UNILOBAR LUNG; RSH SYNDROME; RUTLEDGE LETHAL MULTIPLE CONGENITAL ANOMALY SYNDROME; 7-Dehydrocholesterol reductase deficiency. Identifiers: Orphanet 818, MedGen C0175694, MONDO:0010035, OMIM 270400.

Submission:

Myriad Genetics, Inc.
Classification: Pathogenic for Smith-Lemli-Opitz syndrome. Last evaluated: 2024-07-29. Review status: criteria provided, single submitter. Criteria: Myriad Autosomal Dominant, Autosomal Recessive and X-Linked Classification Criteria (2023). Collection method: clinical testing. Allele origin: unknown.
Comment: NM_001360.2(DHCR7):c.100G>T(E34*) is expected to be pathogenic in the context of Smith-Lemli-Opitz syndrome. This variant is predicted to lead to an abnormal or absent protein product due to the creation of a premature termination codon in DHCR7, a gene where loss-of-function variants are known to be pathogenic. Please note: this variant was assessed in the context of healthy population screening.

NM_001360.3(DHCR7):c.100G>T (p.Glu34Ter)

Gene: DHCR7 (7-dehydrocholesterol reductase; minus strand). Cytogenetic location: 11q13.4.
Variant type: single nucleotide variant.
Coding change: c.100G>T on transcript NM_001360.3 (MANE Select); coding-DNA position 100, G replaced by T.
Protein change: p.Glu34Ter; replaces glutamic acid 34 with a stop codon.
Molecular consequence: nonsense. On other transcripts: 5 prime UTR variant (1), intron variant (3).
Genome position (GRCh38, 1-based): chr11:71,444,214, C>A on the plus strand (G>T on the coding strand, the complement: DHCR7 is on the minus strand). VCF-style: chr11-71444214-C-A. GRCh37 (hg19) VCF-style: chr11-71155260-C-A.
Other names: c.100G>T, p.Glu34Ter (NM_001163817.2, NM_001425107.1, NM_001425108.1 and 8 more transcripts); c.-75G>T (NM_001425117.1); c.99-95G>T (NM_001425114.1, NM_001425116.1, NM_001425113.1); short protein forms E34*.
Identifiers: ClinVar variation 5013384 (VCV005013384.1).